The following is an entry in ClinVar:

ClinVar aggregate classification (germline): Uncertain significance. Review status: criteria provided, single submitter (1 of 4 stars). 2 submissions from 2 submitters: Uncertain significance (1). 1 of the submissions does not count toward it. Last evaluated 2023-10-09.

Conditions:
ACE-related disorder. Also called: ACE-related disorders; ACE-related condition.

Allele frequency attached by ClinVar (database versions not stated): gnomAD 0.00003; TOPMed 0.00005; gnomAD exomes 0.00006; ExAC 0.00010.

Submissions (2):

Labcorp Genetics (formerly Invitae), Labcorp
Classification: Uncertain significance. Last evaluated: 2023-10-09. Review status: criteria provided, single submitter. Criteria: Invitae Variant Classification Sherloc (09022015). Collection method: clinical testing. Allele origin: germline.
Comment: This sequence change falls in intron 2 of the ACE gene. It does not directly change the encoded amino acid sequence of the ACE protein. It affects a nucleotide within the consensus splice site. This variant is present in population databases (rs758436458, gnomAD 0.09%). This variant has not been reported in the literature in individuals affected with ACE-related conditions. Variants that disrupt the consensus splice site are a relatively common cause of aberrant splicing (PMID: 17576681, 9536098). Algorithms developed to predict the effect of sequence changes on RNA splicing suggest that this variant may disrupt the consensus splice site. In summary, the available evidence is currently insufficient to determine the role of this variant in disease. Therefore, it has been classified as a Variant of Uncertain Significance.

PreventionGenetics, part of Exact Sciences
Classification: Likely benign for ACE-related condition. Last evaluated: 2023-10-26. Review status: no assertion criteria provided. Collection method: clinical testing. Allele origin: germline. Not counted in ClinVar's aggregate classification.
Comment: This variant is classified as likely benign based on ACMG/AMP sequence variant interpretation guidelines (Richards et al. 2015 PMID: 25741868, with internal and published modifications).

Literature cited by the submitters: PubMed 17576681 (cited by Labcorp Genetics (formerly Invitae), Labcorp); PubMed 9536098 (cited by Labcorp Genetics (formerly Invitae), Labcorp).

NM_000789.4(ACE):c.417+4G>A

Gene: ACE (angiotensin I converting enzyme; plus strand). Cytogenetic location: 17q23.3.
Variant type: single nucleotide variant.
Coding change: c.417+4G>A on transcript NM_000789.4 (MANE Select); 4 bases into the intron after coding-DNA position 417, G replaced by A.
Molecular consequence: intron variant.
Genome position (GRCh38, 1-based): chr17:63,478,102, G>A. VCF-style: chr17-63478102-G-A. GRCh37 (hg19) VCF-style: chr17-61555463-G-A.
Other names: c.-198+4G>A (NM_001382701.1); c.182+4G>A (NM_001382700.1); c.417+4G>A (NM_000789.3).
Identifiers: ClinVar variation 2712486 (VCV002712486.4), dbSNP rs758436458, ClinGen allele CA8699039.